The following is an entry in ClinVar:

ClinVar aggregate classification (germline): Benign/Likely benign. Review status: criteria provided, multiple submitters, no conflicts (2 of 4 stars). 3 submissions from 3 submitters: Benign (2); Likely benign (1). Last evaluated 2026-09-01.

Allele frequency attached by ClinVar (database versions not stated): gnomAD exomes 0.00210 and 0.00333; ExAC 0.00222; gnomAD 0.00225 and 0.00245; TOPMed 0.00229; ESP Exome Variant Server 0.00315.
gnomAD v4.1: 5,100 of 1,598,600 alleles (0.32%); highest among the groups gnomAD compares: Middle Eastern, 0.48%; 13 homozygotes.

Submissions (3):

CeGaT Center for Human Genetics Tuebingen
Classification: Likely benign. Last evaluated: 2026-09-01. Review status: criteria provided, single submitter. Criteria: CeGaT Center For Human Genetics Tuebingen Variant Classification Criteria Version 2. Collection method: clinical testing. Allele origin: germline. Affected: yes. Observed: 9 variant alleles.
Comment: KDM4B: BP4, BS1

Labcorp Genetics (formerly Invitae), Labcorp
Classification: Benign. Last evaluated: 2018-04-23. Review status: criteria provided, single submitter. Criteria: Invitae Variant Classification Sherloc (09022015). Collection method: clinical testing. Allele origin: germline.

Breakthrough Genomics
Classification: Benign. Review status: criteria provided, single submitter. Criteria: ACMG Guidelines, 2015. Collection method: not provided. Allele origin: germline. Inheritance: Autosomal dominant inheritance. Affected: yes.

NM_015015.3(KDM4B):c.433-4A>G

Gene: KDM4B (lysine demethylase 4B; plus strand). Cytogenetic location: 19p13.3.
Variant type: single nucleotide variant.
Coding change: c.433-4A>G on transcript NM_015015.3 (MANE Select); 4 bases into the intron before coding-DNA position 433, A replaced by G.
Molecular consequence: intron variant.
Genome position (GRCh38, 1-based): chr19:5,047,472, A>G. VCF-style: chr19-5047472-A-G. GRCh37 (hg19) VCF-style: chr19-5047483-A-G.
Other names: c.433-4A>G (NM_001370093.1, NM_001370094.1).
Identifiers: ClinVar variation 711529 (VCV000711529.28), dbSNP rs35556519, ClinGen allele CA9107355.